The following is an entry in ClinVar:

ClinVar aggregate classification (germline): Pathogenic. Review status: criteria provided, single submitter (1 of 4 stars). 2 submissions from 2 submitters: Pathogenic (1). 1 of the submissions does not count toward it.

Conditions:
Hereditary spastic paraplegia 11. Also called: SPASTIC PARAPLEGIA, AUTOSOMAL RECESSIVE, COMPLICATED, WITH THIN CORPUS CALLOSUM; SPASTIC PARAPLEGIA, AUTOSOMAL RECESSIVE, WITH MENTAL IMPAIRMENT AND THIN CORPUS CALLOSUM; Spastic paraplegia, mental retardation and thin corpus callosum; Spastic Paraplegia 11; Nakamura Osame syndrome; Autosomal recessive hereditary spastic paraplegia, mental impairment, and thin corpus callosum. Identifiers: Orphanet 2822, MedGen C1858479, MONDO:0011445, OMIM 604360.

Submissions (2):

Neuberg Centre For Genomic Medicine, NCGM
Classification: Pathogenic for Hereditary spastic paraplegia 11. Review status: criteria provided, single submitter. Criteria: ACMG Guidelines, 2015. Collection method: clinical testing. Allele origin: germline. Inheritance: Autosomal recessive inheritance. Affected: yes.
Comment: The splice site acceptor c.6206-1G>C variant in SPG11 gene has been reported in compound heterozygous state in individuals affected with Spastic paraplegia (Orlén, Hanna et al.,2009). This variant affects the invariant splice site. The variant is novel (not in any individuals) in gnomAD Exomes and 1000 Genomes. The variant is submitted in ClinVar as Pathogenic. Loss of function variants have been previously reported to be disease causing. For these reasons, this variant has been classified as Pathogenic.

GeneReviews
No classification provided. Condition: Hereditary spastic paraplegia 11. Review status: no classification provided. Collection method: literature only. Allele origin: unknown. Not counted in ClinVar's aggregate classification.

Literature cited by the submitters: PubMed 19194956 (cited by GeneReviews); PubMed 20301389 (cited by GeneReviews); NCBI Bookshelf NBK1210 (cited by GeneReviews).

NM_025137.4(SPG11):c.6206-1G>C

Gene: SPG11 (SPG11 vesicle trafficking associated, spatacsin; minus strand). Cytogenetic location: 15q21.1.
Variant type: single nucleotide variant.
Coding change: c.6206-1G>C on transcript NM_025137.4 (MANE Select); the canonical splice acceptor site of the intron before coding-DNA position 6206, G replaced by C.
Molecular consequence: splice acceptor variant.
Genome position (GRCh38, 1-based): chr15:44,572,821, C>G on the plus strand (G>C on the coding strand, the complement: SPG11 is on the minus strand). VCF-style: chr15-44572821-C-G. GRCh37 (hg19) VCF-style: chr15-44865019-C-G.
Other names: c.6062-1G>C (NM_001411132.1); c.5867-1G>C (NM_001160227.2).
Identifiers: ClinVar variation 41342 (VCV000041342.2), dbSNP rs312262778, ClinGen allele CA344374.